The following is an entry in ClinVar:

ClinVar aggregate classification (germline): Uncertain significance. Review status: criteria provided, multiple submitters, no conflicts (2 of 4 stars). 2 submissions from 2 submitters: Uncertain significance (2). Last evaluated 2025-04-22.

Conditions:
Inborn genetic diseases. Identifiers: MedGen C0950123, MeSH D030342.

Allele frequency attached by ClinVar (database versions not stated): ExAC 0.00002; gnomAD exomes 0.00002; gnomAD 0.00004; TOPMed 0.00005; ESP Exome Variant Server 0.00008.
gnomAD v4.1: 39 of 1,612,288 alleles (0.0024%); highest among the groups gnomAD compares: Non-Finnish European, 0.0031%; no homozygotes.

Submissions (2):

Labcorp Genetics (formerly Invitae), Labcorp
Classification: Uncertain significance. Last evaluated: 2025-04-22. Review status: criteria provided, single submitter. Criteria: Invitae Variant Classification Sherloc (09022015). Collection method: clinical testing. Allele origin: germline.
Comment: This sequence change replaces tyrosine, which is neutral and polar, with cysteine, which is neutral and slightly polar, at codon 579 of the ATP6V1A protein (p.Tyr579Cys). This variant is present in population databases (rs139675144, gnomAD 0.007%). This variant has not been reported in the literature in individuals affected with ATP6V1A-related conditions. ClinVar contains an entry for this variant (Variation ID: 1931356). Invitae Evidence Modeling of protein sequence and biophysical properties (such as structural, functional, and spatial information, amino acid conservation, physicochemical variation, residue mobility, and thermodynamic stability) indicates that this missense variant is not expected to disrupt ATP6V1A protein function with a negative predictive value of 80%. In summary, the available evidence is currently insufficient to determine the role of this variant in disease. Therefore, it has been classified as a Variant of Uncertain Significance.

Ambry Genetics
Classification: Uncertain significance for Inborn genetic diseases. Last evaluated: 2024-10-11. Review status: criteria provided, single submitter. Criteria: Ambry Variant Classification Scheme 2023. Collection method: clinical testing. Allele origin: germline.

NM_001690.4(ATP6V1A):c.1736A>G (p.Tyr579Cys)

Gene: ATP6V1A (ATPase H+ transporting V1 subunit A; plus strand). Cytogenetic location: 3q13.31.
Variant type: single nucleotide variant.
Coding change: c.1736A>G on transcript NM_001690.4 (MANE Select); coding-DNA position 1736, A replaced by G.
Protein change: p.Tyr579Cys; replaces tyrosine 579 with cysteine.
Molecular consequence: missense variant.
Genome position (GRCh38, 1-based): chr3:113,805,500, A>G. VCF-style: chr3-113805500-A-G. GRCh37 (hg19) VCF-style: chr3-113524347-A-G.
Other names: c.1736A>G (NM_001690.3); short protein forms Y579C.
Identifiers: ClinVar variation 1931356 (VCV001931356.6), dbSNP rs139675144, ClinGen allele CA2548145.
Genomic context (GRCh38, chr3:113,805,500, plus strand): 5'-CCCAGAGTGACAATAAAATCACATGGTCCATTATTCGTGAGCACATGGGAGACATCCTCT[A>G]TAAACTTTCCTCCATGAAATTCAAGGTATATTTTGTTTCTGCTGTAACTTTTTTTATTTG-3'
Protein context (NP_001681.2, residues 569-589): IIREHMGDIL[Tyr579Cys]KLSSMKFKDP